The following is an entry in ClinVar:

NM_013275.6(ANKRD11):c.2283C>G (p.Tyr761Ter)

Gene: ANKRD11 (ankyrin repeat domain 11; minus strand). Cytogenetic location: 16q24.3.
Variant type: single nucleotide variant.
Coding change: c.2283C>G on transcript NM_013275.6 (MANE Select); coding-DNA position 2283, C replaced by G.
Protein change: p.Tyr761Ter; replaces tyrosine 761 with a stop codon.
Molecular consequence: nonsense.
Genome position (GRCh38, 1-based): chr16:89,284,259, G>C on the plus strand (C>G on the coding strand, the complement: ANKRD11 is on the minus strand). VCF-style: chr16-89284259-G-C. GRCh37 (hg19) VCF-style: chr16-89350667-G-C.
Other names: c.2283C>G, p.Tyr761Ter (NM_001256182.2, NM_001256183.2); short protein forms Y761*.
Identifiers: ClinVar variation 620269 (VCV000620269.2), dbSNP rs1567578243, ClinGen allele CA397162774.

ClinVar aggregate classification (germline): Pathogenic. Review status: criteria provided, multiple submitters, no conflicts (2 of 4 stars). 2 submissions from 2 submitters: Pathogenic (2). Last evaluated 2025-05-07.

Conditions:
KBG syndrome (KBGS). Also called: ANKRD11-Related KBG Syndrome. Identifiers: Orphanet 2332, MedGen C0220687, MONDO:0007846, OMIM 148050.

Submissions (2):

Variantyx, Inc.
Classification: Pathogenic for KBG syndrome. Last evaluated: 2025-05-07. Review status: criteria provided, single submitter. Criteria: Variantyx Assertion Criteria 2022. Collection method: clinical testing. Allele origin: de novo. Inheritance: Autosomal dominant inheritance. Affected: yes.
Comment: This is a nonsense variant in the ANKRD11 gene (OMIM: 611192). Pathogenic variants in this gene have been associated with autosomal dominant KBG syndrome. This variant introduces a premature termination codon in exon 9 out of 13 and is expected to result in loss of function, which is a known disease mechanism for ANKRD11 in this disorder (PMID: 21782149, 35330407, 28422132) (PVS1). This variant is absent from control populations (PM2). Based on the current evidence, this variant is classified as pathogenic for autosomal dominant KBG syndrome.

GeneDx
Classification: Pathogenic. Last evaluated: 2018-07-18. Review status: criteria provided, single submitter. Criteria: GeneDx Variant Classification (06012015). Collection method: clinical testing. Allele origin: germline. Affected: yes.
Comment: The Y761X variant in the ANKRD11 gene has not been reported previously as a pathogenic variant nor as a benign variant, to our knowledge. This variant is predicted to cause loss of normal protein function either through protein truncation or nonsense-mediated mRNA decay. The Y761X variant is not observed in large population cohorts (Lek et al., 2016). We interpret Y761X as a pathogenic variant.

Literature cited by the submitters: PubMed 21782149 (cited by Variantyx, Inc.); PubMed 35330407 (cited by Variantyx, Inc.); PubMed 28422132 (cited by Variantyx, Inc.).